The following is an entry in ClinVar:

ClinVar aggregate classification (germline): Uncertain significance (1 of 4 stars; one submission).

Conditions:
Inborn genetic diseases. Identifiers: MedGen C0950123, MeSH D030342.

Submission:

Ambry Genetics
Classification: Uncertain significance for Inborn genetic diseases. Last evaluated: 2025-04-03. Review status: criteria provided, single submitter. Criteria: Ambry Variant Classification Scheme 2023. Collection method: clinical testing. Allele origin: germline.
Comment: The p.A241G variant (also known as c.722C>G), located in coding exon 2 of the GATA2 gene, results from a C to G substitution at nucleotide position 722. The alanine at codon 241 is replaced by glycine, an amino acid with similar properties. This amino acid position is conserved. In addition, the in silico prediction for this alteration is inconclusive. Based on the available evidence, the clinical significance of this variant remains unclear.

NM_032638.5(GATA2):c.722C>G (p.Ala241Gly)

Gene: GATA2 (GATA binding protein 2; minus strand). Cytogenetic location: 3q21.3.
Variant type: single nucleotide variant.
Coding change: c.722C>G on transcript NM_032638.5 (MANE Select); coding-DNA position 722, C replaced by G.
Protein change: p.Ala241Gly; replaces alanine 241 with glycine.
Molecular consequence: missense variant.
Genome position (GRCh38, 1-based): chr3:128,485,876, G>C on the plus strand (C>G on the coding strand, the complement: GATA2 is on the minus strand). VCF-style: chr3-128485876-G-C. GRCh37 (hg19) VCF-style: chr3-128204719-G-C.
Other names: c.722C>G, p.Ala241Gly (NM_001145661.2, NM_001145662.1); short protein forms A241G.
Identifiers: ClinVar variation 4028477 (VCV004028477.1).